The following is an entry in ClinVar:

NM_173689.7(CRB2):c.2061G>A (p.Gln687=)

Gene: CRB2 (crumbs cell polarity complex component 2; plus strand). Cytogenetic location: 9q33.3.
Variant type: single nucleotide variant.
Coding change: c.2061G>A on transcript NM_173689.7 (MANE Select); coding-DNA position 2061, G replaced by A.
Protein change: p.Gln687=; no amino-acid change (glutamine 687 retained).
Molecular consequence: synonymous variant. On other transcripts: non-coding transcript variant (1).
Genome position (GRCh38, 1-based): chr9:123,371,203, G>A. VCF-style: chr9-123371203-G-A. GRCh37 (hg19) VCF-style: chr9-126133482-G-A.
Other names: c.2061G>A (NM_173689.6).
Identifiers: ClinVar variation 2959019 (VCV002959019.5), dbSNP rs772059506, ClinGen allele CA5232124.
Genomic context (GRCh38, chr9:123,371,203, plus strand): 5'-TCCCAACCTCACAGTGTCTTTCCTTCTCCGCACTCGGGAGTCCGCTGGCCTGTTGCTCCA[G>A]TTTGCCAATGACTCCGCAGCTGGCCTAACAGTATTCCTGAGTGAGGGTCGGATCCGGGCT-3'
Protein context (NP_775960.4, residues 677-697): RTRESAGLLL[Gln687=]FANDSAAGLT

ClinVar aggregate classification (germline): Likely benign. Review status: criteria provided, single submitter (1 of 4 stars). 2 submissions from 2 submitters: Likely benign (1). 1 of the submissions does not count toward it. Last evaluated 2023-04-18.

Conditions:
CRB2-related disorder. Also called: CRB2-related disorders; CRB2-related condition.

Allele frequency attached by ClinVar (database versions not stated): ExAC 0.00002; TOPMed 0.00002.
gnomAD v4.1: 14 of 1,613,918 alleles (0.00087%); highest among the groups gnomAD compares: East Asian, 0.018%; no homozygotes.

Submissions (2):

Labcorp Genetics (formerly Invitae), Labcorp
Classification: Likely benign. Last evaluated: 2023-04-18. Review status: criteria provided, single submitter. Criteria: Invitae Variant Classification Sherloc (09022015). Collection method: clinical testing. Allele origin: germline.

PreventionGenetics, part of Exact Sciences
Classification: Likely benign for CRB2-related condition. Last evaluated: 2023-09-15. Review status: no assertion criteria provided. Collection method: clinical testing. Allele origin: germline. Not counted in ClinVar's aggregate classification.
Comment: This variant is classified as likely benign based on ACMG/AMP sequence variant interpretation guidelines (Richards et al. 2015 PMID: 25741868, with internal and published modifications).